The following is an entry in ClinVar:

ClinVar aggregate classification (germline): Uncertain significance (1 of 4 stars; one submission).

Conditions:
Cardiovascular phenotype. Identifiers: MedGen CN230736.

Submission:

Ambry Genetics
Classification: Uncertain significance for Cardiovascular phenotype. Last evaluated: 2023-01-21. Review status: criteria provided, single submitter. Criteria: Ambry Variant Classification Scheme 2023. Collection method: clinical testing. Allele origin: germline.
Comment: The p.Q570K variant (also known as c.1708C>A), located in coding exon 11 of the SCN10A gene, results from a C to A substitution at nucleotide position 1708. The glutamine at codon 570 is replaced by lysine, an amino acid with similar properties. This amino acid position is poorly conserved in available vertebrate species. In addition, this alteration is predicted to be tolerated by in silico analysis. The evidence for this gene-disease relationship is limited; therefore, the clinical significance of this alteration is unclear.

NM_006514.4(SCN10A):c.1708C>A (p.Gln570Lys)

Gene: SCN10A (sodium voltage-gated channel alpha subunit 10; minus strand). Cytogenetic location: 3p22.2.
Variant type: single nucleotide variant.
Coding change: c.1708C>A on transcript NM_006514.4 (MANE Select); coding-DNA position 1708, C replaced by A.
Protein change: p.Gln570Lys; replaces glutamine 570 with lysine.
Molecular consequence: missense variant. On other transcripts: intron variant (1).
Genome position (GRCh38, 1-based): chr3:38,752,266, G>T on the plus strand (C>A on the coding strand, the complement: SCN10A is on the minus strand). VCF-style: chr3-38752266-G-T. GRCh37 (hg19) VCF-style: chr3-38793757-G-T.
Other names: c.1708C>A, p.Gln570Lys (NM_001293306.2); c.1462-2082C>A (NM_001293307.2); short protein forms Q570K.
Identifiers: ClinVar variation 2448845 (VCV002448845.2), dbSNP rs1169933908, ClinGen allele CA352167162.